The following is an entry in ClinVar:

ClinVar aggregate classification (germline): Pathogenic. Review status: criteria provided, multiple submitters, no conflicts (2 of 4 stars). 14 submissions from 14 submitters: Pathogenic (13). 1 of the submissions does not count toward it. Last evaluated 2025-12-15.

Conditions:
Nephronophthisis. Also called: Juvenile Nephronophthisis. Identifiers: Orphanet 655, MedGen C0687120, MONDO:0019005, HP:0000090.
Meckel-Gruber syndrome. Also called: DYSENCEPHALIA SPLANCHNOCYSTICA; GRUBER SYNDROME; Dysencephalia splachnocystica. Identifiers: Orphanet 564, MedGen C0265215, MONDO:0018921.
Joubert syndrome. Also called: Familial aplasia of the vermis; JOUBERT-BOLTSHAUSER SYNDROME. Identifiers: Orphanet 475, MedGen C5979921, MONDO:0018772.
CEP290-related disorder. Also called: CEP290-related condition; CEP290-related disorders. Identifiers: MedGen CN239314.
Retinal dystrophy. Also called: Inherited retinal dystrophy. Identifiers: Orphanet 71862, MedGen C0854723, MeSH D058499, MONDO:0019118, HP:0000556.
Bardet-Biedl syndrome 14 (BBS14). Identifiers: Orphanet 110, MedGen C2673874, MONDO:0014442, OMIM 615991.
Leber congenital amaurosis 10 (LCA10). Identifiers: Orphanet 65, MedGen C1857821, MONDO:0012723, OMIM 611755.
Joubert syndrome 5 (JBTS5). Identifiers: Orphanet 2318, MedGen C1857780, MONDO:0012432, OMIM 610188.
Senior-Loken syndrome 6 (SLSN6). Identifiers: Orphanet 3156, MedGen C1857779, MONDO:0012433, OMIM 610189.
Meckel syndrome, type 4 (MKS4). Also called: MECKEL-GRUBER SYNDROME, TYPE 4. Identifiers: Orphanet 564, MedGen C1970161, MONDO:0012626, OMIM 611134.
Leber congenital amaurosis (LCA). Also called: Leber's amaurosis. Identifiers: Orphanet 65, MedGen C0339527, MeSH D057130, MONDO:0018998.
Joubert syndrome 1 (JBTS1). Also called: CEREBELLOPARENCHYMAL DISORDER IV; Cerebellooculorenal syndrome 1. Identifiers: MedGen C4551568, MONDO:0008944, OMIM 213300.
Cone-rod dystrophy. Also called: Cone-rod degeneration; Cone/cone-rod dystrophy. Identifiers: Orphanet 1872, MedGen C4085590, MONDO:0015993, HP:0000548.

Allele frequency attached by ClinVar (database versions not stated): gnomAD exomes 0.00001; TOPMed 0.00002; gnomAD 0.00003.
gnomAD v4.1: 20 of 1,609,454 alleles (0.0012%); highest among the groups gnomAD compares: Admixed American, 0.0084%; no homozygotes.

Submissions (14):

PreventionGenetics, part of Exact Sciences
Classification: Pathogenic for CEP290-related condition. Last evaluated: 2025-12-15. Review status: criteria provided, single submitter. Criteria: ACMG Guidelines, 2015. Collection method: clinical testing. Allele origin: germline.
Comment: The CEP290 c.2722C>T variant is predicted to result in premature protein termination (p.Arg908*). This variant has been reported along with a second plausible causative variant in three patients, one diagnosed with Leber congenital amaurosis and two diagnosed with Joubert syndrome (Sallum et al. 2020. PubMed ID: 32865313). This variant is reported in 0.0057% of alleles in individuals of East Asian descent in gnomAD. Nonsense variants in CEP290 are expected to be pathogenic. This variant is interpreted as pathogenic.

Labcorp Genetics (formerly Invitae), Labcorp
Classification: Pathogenic for Joubert syndrome; Meckel-Gruber syndrome; Nephronophthisis. Last evaluated: 2025-08-16. Review status: criteria provided, single submitter. Criteria: Invitae Variant Classification Sherloc (09022015). Collection method: clinical testing. Allele origin: germline.
Comment: This sequence change creates a premature translational stop signal (p.Arg908*) in the CEP290 gene. It is expected to result in an absent or disrupted protein product. Loss-of-function variants in CEP290 are known to be pathogenic (PMID: 16909394, 17345604, 20690115). This variant is present in population databases (no rsID available, gnomAD 0.006%). This premature translational stop signal has been observed in individual(s) with cone-rod dystrophy (PMID: 30718709). ClinVar contains an entry for this variant (Variation ID: 281411). Algorithms developed to predict the effect of sequence changes on RNA splicing suggest that this variant may disrupt the consensus splice site. For these reasons, this variant has been classified as Pathogenic.

Natera, Inc.
Classification: Pathogenic for Leber congenital amaurosis. Last evaluated: 2025-04-24. Review status: criteria provided, single submitter. Criteria: Natera Variant Classification Schema (03/2026). Collection method: clinical testing. Allele origin: germline.
Comment: The c.2722C>T variant in CEP290 is a nonsense variant predicted to introduce a stop codon at amino acid 908. This variant is expected to result in nonsense mediated decay, truncation, or a dysfunctional protein product. This variant is rare in the general population with a frequency below the threshold expected for the associated phenotype(s). This variant has been observed in one or more individuals affected with the associated recessive disease, as either homozygous or compound heterozygous with a second variant (PMID: 32865313). Given the available evidence, this variant is classified as Pathogenic.

Dasa
Classification: Pathogenic. Last evaluated: 2025-04-13. Review status: criteria provided, single submitter. Criteria: DASA Assertion Criteria. Collection method: clinical testing. Allele origin: germline.
Comment: NM_025114.4(CEP290):c.2722C>T (p.Arg908*) introduces a premature termination codon predicted to result in loss of normal protein function. Loss-of-function is an established mechanism of disease for this gene. This variant has been observed in affected individuals with related phenotype in a genotype context consistent with recessive disease (PMID: 29641573; PMID: 30718709). This variant has been recurrently observed in individuals with related phenotype (PMID: 29641573; PMID: 30718709). The variant is present at low frequency in population datasets. Based on the available data, this variant is classified as pathogenic.

Baylor Genetics
Classification: Pathogenic for Bardet-Biedl syndrome 14. Last evaluated: 2024-02-21. Review status: criteria provided, single submitter. Criteria: ACMG Guidelines, 2015. Collection method: clinical testing. Allele origin: unknown.

Fulgent Genetics
Classification: Pathogenic for Joubert syndrome 5; Senior-Loken syndrome 6; Meckel syndrome, type 4; Leber congenital amaurosis 10; Bardet-Biedl syndrome 14. Last evaluated: 2024-02-09. Review status: criteria provided, single submitter. Criteria: ACMG Guidelines, 2015. Collection method: clinical testing. Allele origin: germline.

GeneDx
Classification: Pathogenic. Last evaluated: 2024-01-25. Review status: criteria provided, single submitter. Criteria: GeneDx Variant Classification Process June 2021. Collection method: clinical testing. Allele origin: germline. Affected: yes.
Comment: Identified in a patient with cone-rod dystrophy in published literature, however no second CEP290 variant was identified (PMID: 30718709); Nonsense variant predicted to result in protein truncation or nonsense mediated decay in a gene for which loss of function is a known mechanism of disease; Not observed at a significant frequency in large population cohorts (gnomAD); This variant is associated with the following publications: (PMID: 30718709, 32865313)

Neuberg Centre For Genomic Medicine, NCGM
Classification: Pathogenic for Joubert syndrome 5. Last evaluated: 2023-03-01. Review status: criteria provided, single submitter. Criteria: ACMG Guidelines, 2015. Collection method: clinical testing. Allele origin: germline. Inheritance: Autosomal recessive inheritance. Affected: yes.
Comment: The stop gained c.2722C>T(p.Arg908Ter) variant in CEP290 gene has been reported previously in homozygous or compound heterozygous state in individual(s) affected with retinal dystrophy (Jespersgaard et al., 2019). This variant is reported with the allele frequency of 0.001% in the gnomAD Exomes and novel in 1000 Genomes. This variant has been reported to the ClinVar database as Likely Pathogenic / Pathogenic (multiple submitters). This variant is predicted to cause loss of normal protein function through protein truncation. It is expected to result in an absent or disrupted protein product. Loss-of-function variants in CEP290 are known to be pathogenic (Coppieters et al., 2010). For these reasons, this variant has been classified as Pathogenic. In the absence of another reportable variant, the molecular diagnosis is not confirmed.

Blueprint Genetics
Classification: Pathogenic for CEP290-related disorders. Last evaluated: 2022-10-06. Review status: criteria provided, single submitter. Criteria: ACMG Guidelines, 2015. Collection method: clinical testing. Allele origin: germline. Affected: yes. Observed: 5 variant alleles.

Women's Health and Genetics/Laboratory Corporation of America, LabCorp
Classification: Pathogenic for CEP290-related disorder. Last evaluated: 2022-03-29. Review status: criteria provided, single submitter. Criteria: LabCorp Variant Classification Summary - May 2015. Collection method: clinical testing. Allele origin: germline.
Comment: Variant summary: CEP290 c.2722C>T (p.Arg908X) results in a premature termination codon, predicted to cause a truncation of the encoded protein or absence of the protein due to nonsense mediated decay, which are commonly known mechanisms for disease. Truncations downstream of this position have been classified as pathogenic by our laboratory. The variant allele was found at a frequency of 1.2e-05 in 242780 control chromosomes (gnomAD). c.2722C>T has been reported in the literature in individuals affected with CEP290-Related Disorders (examples: Huang_2018 and Sallum_2020). These data indicate that the variant is likely to be associated with disease. To our knowledge, no experimental evidence demonstrating an impact on protein function has been reported. Five clinical diagnostic laboratories have submitted clinical-significance assessments for this variant to ClinVar after 2014 and all classified the variant as pathogenic (n=4)/likely pathogenic (n=1). Based on the evidence outlined above, the variant was classified as pathogenic.

Institute of Human Genetics, Univ. Regensburg, Univ. Regensburg
Classification: Pathogenic for Retinal dystrophy. Last evaluated: 2020-01-01. Review status: criteria provided, single submitter. Criteria: ACMG Guidelines, 2015. Collection method: clinical testing. Allele origin: germline. Affected: yes.

Mendelics
Classification: Pathogenic for Joubert syndrome 1. Last evaluated: 2019-05-28. Review status: criteria provided, single submitter. Criteria: Mendelics Assertion Criteria 2017. Collection method: clinical testing. Allele origin: unknown.

Eurofins Ntd Llc (ga)
Classification: Pathogenic. Last evaluated: 2015-06-15. Review status: criteria provided, single submitter. Criteria: EGL Classification Definitions 2015. Collection method: clinical testing. Allele origin: germline. Observed: 1 variant allele, 1 heterozygote.

Department of Clinical Genetics, Copenhagen University Hospital, Rigshospitalet
Classification: Likely pathogenic for Cone-rod dystrophy. Last evaluated: 2018-04-01. Review status: no assertion criteria provided. Collection method: research. Allele origin: unknown. Affected: yes. Study: VeluxRD. Not counted in ClinVar's aggregate classification.

Literature cited by the submitters: PubMed 16909394 (cited by Labcorp Genetics (formerly Invitae), Labcorp); PubMed 17345604 (cited by Labcorp Genetics (formerly Invitae), Labcorp); PubMed 20690115 (cited by Labcorp Genetics (formerly Invitae), Labcorp); PubMed 30718709 (cited by 5 submitters); PubMed 32865313 (cited by 3 submitters); PubMed 29641573 (cited by Dasa and Women's Health and Genetics/Laboratory Corporation of America, LabCorp); PubMed 31964843 (cited by Institute of Human Genetics, Univ. Regensburg, Univ. Regensburg).

NM_025114.4(CEP290):c.2722C>T (p.Arg908Ter)

Gene: CEP290 (centrosomal protein 290; minus strand). Cytogenetic location: 12q21.32.
Variant type: single nucleotide variant.
Coding change: c.2722C>T on transcript NM_025114.4 (MANE Select); coding-DNA position 2722, C replaced by T.
Protein change: p.Arg908Ter; replaces arginine 908 with a stop codon.
Molecular consequence: nonsense.
Genome position (GRCh38, 1-based): chr12:88,106,770, G>A on the plus strand (C>T on the coding strand, the complement: CEP290 is on the minus strand). VCF-style: chr12-88106770-G-A. GRCh37 (hg19) VCF-style: chr12-88500547-G-A.
Other names: short protein forms R908*.
Identifiers: ClinVar variation 281411 (VCV000281411.31), dbSNP rs886042153, ClinGen allele CA10603872.